The following is an entry in ClinVar:

ClinVar aggregate classification (germline): Likely pathogenic (1 of 4 stars; one submission).

Conditions:
Lethal multiple pterygium syndrome (LMPS). Identifiers: Orphanet 33108, MedGen C1854678, MONDO:0009668, OMIM 253290.

Allele frequency attached by ClinVar (database versions not stated): gnomAD exomes below 0.00001 and 0.00001; gnomAD 0.00002; ExAC 0.00003.

Submission:

Labcorp Genetics (formerly Invitae), Labcorp
Classification: Likely pathogenic for Lethal multiple pterygium syndrome. Last evaluated: 2019-08-28. Review status: criteria provided, single submitter. Criteria: Invitae Variant Classification Sherloc (09022015). Collection method: clinical testing. Allele origin: germline.
Comment: Donor and acceptor splice site variants typically lead to a loss of protein function (PMID: 16199547), and loss-of-function variants in CHRNA1 are known to be pathogenic (PMID: 14719537, 15907919, 18252226). In summary, the currently available evidence indicates that the variant is pathogenic, but additional data are needed to prove that conclusively. Therefore, this variant has been classified as Likely Pathogenic. This variant has not been reported in the literature in individuals with CHRNA1-related conditions. This variant is present in population databases (rs771260711, ExAC 0.04%). This sequence change affects acceptor splice site in intron 6 of the CHRNA1 gene. It is expected to disrupt RNA splicing and likely results in an absent or disrupted protein product.

Literature cited by the submitters: PubMed 16199547; PubMed 14719537; PubMed 15907919; PubMed 18252226.

NM_000079.4(CHRNA1):c.779-1_779insA

Gene: CHRNA1 (cholinergic receptor nicotinic alpha 1 subunit; minus strand). Cytogenetic location: 2q31.1.
Variant type: Insertion.
Coding change: c.779-1_779insA on transcript NM_000079.4 (MANE Select); the canonical splice acceptor site of the intron before coding-DNA position 779 through coding-DNA position 779, A inserted.
Molecular consequence: splice acceptor variant.
Genome position: GRCh38 VCF-style: chr2-174750169-C-CT. GRCh37 (hg19) VCF-style: chr2-175614897-C-CT.
Other names: c.854-1_854insA (NM_001039523.3).
Identifiers: ClinVar variation 835942 (VCV000835942.7), dbSNP rs771260711, ClinGen allele CA1974450.